The following is an entry in ClinVar:

ClinVar aggregate classification (germline): Uncertain significance (1 of 4 stars; one submission).

Submission:

Labcorp Genetics (formerly Invitae), Labcorp
Classification: Uncertain significance. Last evaluated: 2024-07-23. Review status: criteria provided, single submitter. Criteria: Invitae Variant Classification Sherloc (09022015). Collection method: clinical testing. Allele origin: germline.
Comment: This sequence change replaces valine, which is neutral and non-polar, with alanine, which is neutral and non-polar, at codon 471 of the PHIP protein (p.Val471Ala). This variant is not present in population databases (gnomAD no frequency). This variant has not been reported in the literature in individuals affected with PHIP-related conditions. Advanced modeling of protein sequence and biophysical properties (such as structural, functional, and spatial information, amino acid conservation, physicochemical variation, residue mobility, and thermodynamic stability) performed at Invitae indicates that this missense variant is expected to disrupt PHIP protein function with a positive predictive value of 80%. In summary, the available evidence is currently insufficient to determine the role of this variant in disease. Therefore, it has been classified as a Variant of Uncertain Significance.

NM_017934.7(PHIP):c.1412T>C (p.Val471Ala)

Gene: PHIP (PHIP subunit of CUL4-Ring ligase complex; minus strand). Cytogenetic location: 6q14.1.
Variant type: single nucleotide variant.
Coding change: c.1412T>C on transcript NM_017934.7 (MANE Select); coding-DNA position 1412, T replaced by C.
Protein change: p.Val471Ala; replaces valine 471 with alanine.
Molecular consequence: missense variant.
Genome position (GRCh38, 1-based): chr6:79,015,194, A>G on the plus strand (T>C on the coding strand, the complement: PHIP is on the minus strand). VCF-style: chr6-79015194-A-G. GRCh37 (hg19) VCF-style: chr6-79724911-A-G.
Other names: short protein forms V471A.
Identifiers: ClinVar variation 3697953 (VCV003697953.2).